The following is an entry in ClinVar:

NM_000138.5(FBN1):c.202T>A (p.Cys68Ser)

Gene: FBN1 (fibrillin 1; minus strand). Cytogenetic location: 15q21.1.
Variant type: single nucleotide variant.
Coding change: c.202T>A on transcript NM_000138.5 (MANE Select); coding-DNA position 202, T replaced by A.
Protein change: p.Cys68Ser; replaces cysteine 68 with serine.
Molecular consequence: missense variant.
Genome position (GRCh38, 1-based): chr15:48,613,055, A>T on the plus strand (T>A on the coding strand, the complement: FBN1 is on the minus strand). VCF-style: chr15-48613055-A-T. GRCh37 (hg19) VCF-style: chr15-48905252-A-T.
Other names: short protein forms C68S.
Identifiers: ClinVar variation 520234 (VCV000520234.3), dbSNP rs113604459, ClinGen allele CA392448434.
Genomic context (GRCh38, chr15:48,613,055, plus strand): 5'-TTTCTATTTACTTACGGACAATACACTGATTTCCGCCAGGTAAGGTTTTCCATCCAGGGC[A>T]ACAGTAAGCATTATAACGTGATCCACAGACATTGGGTCTAAAACAAAAACAGAAGAATTC-3'
Protein context (NP_000129.3, residues 58-78): VCGSRYNAYC[Cys68Ser]PGWKTLPGGN

ClinVar aggregate classification (germline): Likely pathogenic (1 of 4 stars; one submission).

Conditions:
Cardiovascular phenotype. Identifiers: MedGen CN230736.

Submission:

Ambry Genetics
Classification: Likely pathogenic for Cardiovascular phenotype. Last evaluated: 2015-09-17. Review status: criteria provided, single submitter. Criteria: Ambry Autosomal Dominant and X-Linked criteria (10/2015). Collection method: clinical testing. Allele origin: germline. Observed: 1 variant allele.
Comment: The p.C68S variant (also known as c.202T>A), located in coding exon 2 of the FBN1 gene, results from a T to A substitution at nucleotide position 202. The cysteine at codon 68 is replaced by serine, an amino acid with dissimilar properties. In one study, this variant was detected in an individual with classicalMarfansyndrome, and it was ade novooccurrence (Stheneuret al. Eur J Hum Genet.2009;17(9):1121-1128). In addition, c.203G>C, another variant that results in the same p.C68S substitution in thiscysteine-richregion, was detected in an individual withectopialentis, minor skeletal system involvement and skin involvement (ComeglioP et al.HumMutat.2007;28(9):928). In the ESP, this variant was not observed in 6493 samples (12986 alleles) with coverage at this position. This amino acid position is highly conserved in available vertebrate species. In addition, this alteration is predicted to be deleterious by in silico analysis. Based on the majority of available evidence to date, this variant is likely to be pathogenic.

Literature cited by the submitters: PubMed 17657824; PubMed 17679947; PubMed 19293843.